The following is an entry in ClinVar:

ClinVar aggregate classification (germline): Uncertain significance (1 of 4 stars; one submission).

Conditions:
BBS1-related disorder. Also called: BBS1-related condition.

gnomAD v4.1: 10 of 1,613,202 alleles (0.00062%); highest among the groups gnomAD compares: Non-Finnish European, 0.00085%; no homozygotes.

Submission:

PreventionGenetics, part of Exact Sciences
Classification: Uncertain significance for BBS1-related condition. Last evaluated: 2025-08-16. Review status: criteria provided, single submitter. Criteria: ACMG Guidelines, 2015. Collection method: clinical testing. Allele origin: germline.
Comment: The BBS1 c.1096G>A variant is predicted to result in the amino acid substitution p.Val366Ile. To our knowledge, this variant has not been reported in the literature. An alternative variant at the same amino acid (p.Val366Asp) has been reported in patients with Bardet-Biedl syndrome (Alvarez-Satta et al. 2014. PubMed ID: 24611592). This variant is reported in 0.0026% of alleles in individuals of European (Non-Finnish) descent in gnomAD. At this time, the clinical significance of this variant is uncertain due to the absence of conclusive functional and genetic evidence.

NM_024649.5(BBS1):c.1096G>A (p.Val366Ile)

Genes: BBS1 (Bardet-Biedl syndrome 1; plus strand), ZDHHC24 (zDHHC palmitoyltransferase 24; minus strand). Cytogenetic location: 11q13.2.
Variant type: single nucleotide variant.
Coding change: c.1096G>A on transcript NM_024649.5 (MANE Select); coding-DNA position 1096, G replaced by A.
Protein change: p.Val366Ile; replaces valine 366 with isoleucine.
Molecular consequence: missense variant. On other transcripts: intron variant (1).
Genome position (GRCh38, 1-based): chr11:66,523,868, G>A. VCF-style: chr11-66523868-G-A. GRCh37 (hg19) VCF-style: chr11-66291339-G-A.
Other names: c.*22-2402C>T (NM_001348571.2); short protein forms V366I.
Identifiers: ClinVar variation 4986621 (VCV004986621.1).